The following is an entry in ClinVar:

ClinVar aggregate classification (germline): Uncertain significance (1 of 4 stars; one submission).

Submission:

GeneDx
Classification: Uncertain significance. Last evaluated: 2025-07-20. Review status: criteria provided, single submitter. Criteria: GeneDx Variant Classification Process June 2021. Collection method: clinical testing. Allele origin: germline. Affected: yes.
Comment: Not observed at significant frequency in large population cohorts (gnomAD); In silico analysis supports that this missense variant has a deleterious effect on protein structure/function; This substitution is predicted to be within the transmembrane segment S1 of the first homologous domain; Has not been previously published as pathogenic or benign to our knowledge

NM_001040142.2(SCN2A):c.436A>G (p.Met146Val)

Gene: SCN2A (sodium voltage-gated channel alpha subunit 2; plus strand). Cytogenetic location: 2q24.3.
Variant type: single nucleotide variant.
Coding change: c.436A>G on transcript NM_001040142.2 (MANE Select); coding-DNA position 436, A replaced by G.
Protein change: p.Met146Val; replaces methionine 146 with valine.
Molecular consequence: missense variant.
Genome position (GRCh38, 1-based): chr2:165,307,897, A>G. VCF-style: chr2-165307897-A-G. GRCh37 (hg19) VCF-style: chr2-166164407-A-G.
Other names: c.436A>G, p.Met146Val (NM_001040143.2, NM_001371246.1, NM_001371247.1 and 1 more transcripts); short protein forms M146V.
Identifiers: ClinVar variation 4686948 (VCV004686948.1).